The following is an entry in ClinVar:

NM_007217.4(PDCD10):c.160G>T (p.Glu54Ter)

Gene: PDCD10 (programmed cell death 10; minus strand). Cytogenetic location: 3q26.1.
Variant type: single nucleotide variant.
Coding change: c.160G>T on transcript NM_007217.4 (MANE Select); coding-DNA position 160, G replaced by T.
Protein change: p.Glu54Ter; replaces glutamic acid 54 with a stop codon.
Molecular consequence: nonsense.
Genome position (GRCh38, 1-based): chr3:167,697,117, C>A on the plus strand (G>T on the coding strand, the complement: PDCD10 is on the minus strand). VCF-style: chr3-167697117-C-A. GRCh37 (hg19) VCF-style: chr3-167414905-C-A.
Other names: c.160G>T (NM_145859.1); c.160G>T, p.Glu54Ter (NM_145859.2, NM_145860.2); short protein forms E54*.
Identifiers: ClinVar variation 1399974 (VCV001399974.9), dbSNP rs2108409609, ClinGen allele CA355154941.

ClinVar aggregate classification (germline): Pathogenic. Review status: criteria provided, single submitter (1 of 4 stars). 2 submissions from 2 submitters: Pathogenic (1). 1 of the submissions does not count toward it. Last evaluated 2024-02-24.

Conditions:
PDCD10-related disorder. Also called: PDCD10-related condition.
Cerebral cavernous malformation 3. Also called: Familial Cerebral Cavernous Malformation 3. Identifiers: Orphanet 221061, MedGen C1864040, MONDO:0011305, OMIM 603285.

Submissions (2):

Labcorp Genetics (formerly Invitae), Labcorp
Classification: Pathogenic for Cerebral cavernous malformation 3. Last evaluated: 2024-02-24. Review status: criteria provided, single submitter. Criteria: Invitae Variant Classification Sherloc (09022015). Collection method: clinical testing. Allele origin: germline.
Comment: This sequence change creates a premature translational stop signal (p.Glu54*) in the PDCD10 gene. It is expected to result in an absent or disrupted protein product. Loss-of-function variants in PDCD10 are known to be pathogenic (PMID: 15543491, 18300272, 23801932). This variant is not present in population databases (gnomAD no frequency). This premature translational stop signal has been observed in individual(s) with cerebral cavernous malformations (PMID: 25354366). ClinVar contains an entry for this variant (Variation ID: 1399974). For these reasons, this variant has been classified as Pathogenic.

PreventionGenetics, part of Exact Sciences
Classification: Pathogenic for PDCD10-related condition. Last evaluated: 2024-03-27. Review status: no assertion criteria provided. Collection method: clinical testing. Allele origin: germline. Not counted in ClinVar's aggregate classification.
Comment: The PDCD10 c.160G>T variant is predicted to result in premature protein termination (p.Glu54*). This variant has been reported in an individual with cerebral cavernous malformations and the variant was inherited from the father, whose cerebral MRI resulted positive for the presence of cavernomas (344CCM, Cigoli et al. 2014. PubMed ID: 25354366). This variant has not been reported in a large population database, indicating this variant is rare. Nonsense variants in PDCD10 are expected to be pathogenic. This variant is interpreted as pathogenic.

Literature cited by the submitters: PubMed 15543491 (cited by Labcorp Genetics (formerly Invitae), Labcorp); PubMed 18300272 (cited by Labcorp Genetics (formerly Invitae), Labcorp); PubMed 23801932 (cited by Labcorp Genetics (formerly Invitae), Labcorp); PubMed 25354366 (cited by Labcorp Genetics (formerly Invitae), Labcorp).